The following is an entry in ClinVar:

NM_001851.6(COL9A1):c.420G>C (p.Glu140Asp)

Gene: COL9A1 (collagen type IX alpha 1 chain; minus strand). Cytogenetic location: 6q13.
Variant type: single nucleotide variant.
Coding change: c.420G>C on transcript NM_001851.6 (MANE Select); coding-DNA position 420, G replaced by C.
Protein change: p.Glu140Asp; replaces glutamic acid 140 with aspartic acid.
Molecular consequence: missense variant.
Genome position (GRCh38, 1-based): chr6:70,294,443, C>G on the plus strand (G>C on the coding strand, the complement: COL9A1 is on the minus strand). VCF-style: chr6-70294443-C-G. GRCh37 (hg19) VCF-style: chr6-71004146-C-G.
Other names: c.420G>C, p.Glu140Asp (NM_001377291.1); short protein forms E140D.
Identifiers: ClinVar variation 2040287 (VCV002040287.2), dbSNP rs748783496, ClinGen allele CA140824417.

ClinVar aggregate classification (germline): Uncertain significance (1 of 4 stars; one submission).

gnomAD v4.1: 2 of 1,614,126 alleles (0.00012%); no homozygotes.

Submission:

Labcorp Genetics (formerly Invitae), Labcorp
Classification: Uncertain significance. Last evaluated: 2025-09-02. Review status: criteria provided, single submitter. Criteria: Invitae Variant Classification Sherloc (09022015). Collection method: clinical testing. Allele origin: germline.
Comment: This sequence change replaces glutamic acid, which is acidic and polar, with aspartic acid, which is acidic and polar, at codon 140 of the COL9A1 protein (p.Glu140Asp). This variant is not present in population databases (gnomAD no frequency). This variant has not been reported in the literature in individuals affected with COL9A1-related conditions. ClinVar contains an entry for this variant (Variation ID: 2040287). Invitae Evidence Modeling of protein sequence and biophysical properties (such as structural, functional, and spatial information, amino acid conservation, physicochemical variation, residue mobility, and thermodynamic stability) indicates that this missense variant is not expected to disrupt COL9A1 protein function with a negative predictive value of 95%. In summary, the available evidence is currently insufficient to determine the role of this variant in disease. Therefore, it has been classified as a Variant of Uncertain Significance.